The following is an entry in ClinVar:

ClinVar aggregate classification (germline): Uncertain significance (1 of 4 stars; one submission).

gnomAD v4.1: 12 of 1,607,524 alleles (0.00075%); highest among the groups gnomAD compares: Non-Finnish European, 0.00094%; no homozygotes.

Submission:

Women's Health and Genetics/Laboratory Corporation of America, LabCorp
Classification: Uncertain significance. Last evaluated: 2026-03-04. Review status: criteria provided, single submitter. Criteria: LabCorp Variant Classification Summary - May 2015. Collection method: clinical testing. Allele origin: germline.
Comment: Variant summary: TMEM38B c.-17C>A is located in the untranslated mRNA region upstream of the initiation codon. The variant allele was found at a frequency of 4e-06 in 248544 control chromosomes. The available data on variant occurrences in the general population are insufficient to allow any conclusion about variant significance. To our knowledge, no occurrence of c.-17C>A in individuals affected with TMEM38B-related conditions and no experimental evidence demonstrating its impact on protein function have been reported. No submitters have cited clinical-significance assessments for this variant to ClinVar. Based on the evidence outlined above, the variant was classified as uncertain significance.

NM_018112.3(TMEM38B):c.-17C>A

Genes: TMEM38B (transmembrane protein 38B; plus strand), LOC130002290 (ATAC-STARR-seq lymphoblastoid silent region 20154; plus strand). Cytogenetic location: 9q31.2.
Variant type: single nucleotide variant.
Coding change: c.-17C>A on transcript NM_018112.3 (MANE Select); 17 bases upstream of the start codon, C replaced by A.
Molecular consequence: 5 prime UTR variant.
Genome position (GRCh38, 1-based): chr9:105,694,644, C>A. VCF-style: chr9-105694644-C-A. GRCh37 (hg19) VCF-style: chr9-108456925-C-A.
Identifiers: ClinVar variation 4847468 (VCV004847468.1).